The following is an entry in ClinVar:

ClinVar aggregate classification (germline): Uncertain significance (1 of 4 stars; one submission).

Conditions:
Hereditary nonpolyposis colorectal neoplasms. Identifiers: MedGen C0009405, MeSH D003123.

Submission:

Labcorp Genetics (formerly Invitae), Labcorp
Classification: Uncertain significance for Hereditary nonpolyposis colorectal neoplasms. Last evaluated: 2024-01-29. Review status: criteria provided, single submitter. Criteria: Invitae Variant Classification Sherloc (09022015). Collection method: clinical testing. Allele origin: germline.
Comment: This sequence change replaces glycine, which is neutral and non-polar, with alanine, which is neutral and non-polar, at codon 829 of the MSH6 protein (p.Gly829Ala). This variant is not present in population databases (gnomAD no frequency). This variant has not been reported in the literature in individuals affected with MSH6-related conditions. ClinVar contains an entry for this variant (Variation ID: 1448881). Advanced modeling of protein sequence and biophysical properties (such as structural, functional, and spatial information, amino acid conservation, physicochemical variation, residue mobility, and thermodynamic stability) performed at Invitae indicates that this missense variant is not expected to disrupt MSH6 protein function with a negative predictive value of 95%. In summary, the available evidence is currently insufficient to determine the role of this variant in disease. Therefore, it has been classified as a Variant of Uncertain Significance.

NM_000179.3(MSH6):c.2486G>C (p.Gly829Ala)

Gene: MSH6 (mutS homolog 6; plus strand). Cytogenetic location: 2p16.3.
Variant type: single nucleotide variant.
Coding change: c.2486G>C on transcript NM_000179.3 (MANE Select); coding-DNA position 2486, G replaced by C.
Protein change: p.Gly829Ala; replaces glycine 829 with alanine.
Molecular consequence: missense variant.
Genome position (GRCh38, 1-based): chr2:47,800,469, G>C. VCF-style: chr2-47800469-G-C. GRCh37 (hg19) VCF-style: chr2-48027608-G-C.
Other names: c.1580G>C, p.Gly527Ala (NM_001281493.2, NM_001281494.2); c.2096G>C, p.Gly699Ala (NM_001281492.2); short protein forms G829A, G527A, G699A.
Identifiers: ClinVar variation 1448881 (VCV001448881.6), dbSNP rs1553413832, ClinGen allele CA346754191.
Genomic context (GRCh38, chr2:47,800,469, plus strand): 5'-TAGAGCTTCTAAAGAAGCTTCCAGATCTTGAGAGGCTACTCAGTAAAATTCATAATGTTG[G>C]GTCTCCCCTGAAGAGTCAGAACCACCCAGACAGCAGGGCTATAATGTATGAAGAAACTAC-3'
Protein context (NP_000170.1, residues 819-839): ERLLSKIHNV[Gly829Ala]SPLKSQNHPD